The following is an entry in ClinVar:

NM_130466.4(UBE3B):c.2201T>G (p.Phe734Cys)

Gene: UBE3B (ubiquitin protein ligase E3B; plus strand). Cytogenetic location: 12q24.11.
Variant type: single nucleotide variant.
Coding change: c.2201T>G on transcript NM_130466.4 (MANE Select); coding-DNA position 2201, T replaced by G.
Protein change: p.Phe734Cys; replaces phenylalanine 734 with cysteine.
Molecular consequence: missense variant.
Genome position (GRCh38, 1-based): chr12:109,521,272, T>G. VCF-style: chr12-109521272-T-G. GRCh37 (hg19) VCF-style: chr12-109959077-T-G.
Other names: c.2201T>G, p.Phe734Cys (NM_183415.3); short protein forms F734C.
Identifiers: ClinVar variation 4882804 (VCV004882804.2).
Genomic context (GRCh38, chr12:109,521,272, plus strand): 5'-TTGTCAATGACCTCGGGGTGGACGAAGCAGGGATTGATCAAGACGGTGTTTTTAAGGAGT[T>G]CTTGGAAGAGATCATCAAGAGAGTTTTTGACCCAGCACTCAATCTGTTCAAGGTATTTAA-3'
Protein context (NP_569733.2, residues 724-744): GIDQDGVFKE[Phe734Cys]LEEIIKRVFD

ClinVar aggregate classification (germline): Uncertain significance (1 of 4 stars; one submission).

Submission:

Dasa
Classification: Uncertain significance. Last evaluated: 2026-02-23. Review status: criteria provided, single submitter. Criteria: DASA Assertion Criteria. Collection method: clinical testing. Allele origin: germline.
Comment: NM_130466.4(UBE3B):c.2201T>G (p.Phe734Cys) is a missense variant that results in the substitution of phenylalanine with cysteine. This variant is rare in population databases. Computational prediction algorithms are consistent with a deleterious effect. The currently available literature and clinical evidence are not sufficient to establish a definitive association between this variant and the reported condition. Therefore, this variant is classified as a variant of uncertain significance.